The following is an entry in ClinVar:

ClinVar aggregate classification (germline): Uncertain significance (1 of 4 stars; one submission).

Conditions:
Inborn genetic diseases. Identifiers: MedGen C0950123, MeSH D030342.

Submission:

Ambry Genetics
Classification: Uncertain significance for Inborn genetic diseases. Last evaluated: 2025-09-16. Review status: criteria provided, single submitter. Criteria: Ambry Variant Classification Scheme 2023. Collection method: clinical testing. Allele origin: germline.
Comment: The p.Q408E variant (also known as c.1222C>G), located in coding exon 6 of the RECQL4 gene, results from a C to G substitution at nucleotide position 1222. The glutamine at codon 408 is replaced by glutamic acid, an amino acid with highly similar properties. This amino acid position is conserved. In addition, this alteration is predicted to be tolerated by in silico analysis. Based on the available evidence, the clinical significance of this variant remains unclear.

NM_004260.4(RECQL4):c.1222C>G (p.Gln408Glu)

Gene: RECQL4 (RecQ like helicase 4; minus strand). Cytogenetic location: 8q24.3.
Variant type: single nucleotide variant.
Coding change: c.1222C>G on transcript NM_004260.4 (MANE Select); coding-DNA position 1222, C replaced by G.
Protein change: p.Gln408Glu; replaces glutamine 408 with glutamic acid.
Molecular consequence: missense variant. On other transcripts: non-coding transcript variant (3), intron variant (1).
Genome position (GRCh38, 1-based): chr8:144,515,800, G>C on the plus strand (C>G on the coding strand, the complement: RECQL4 is on the minus strand). VCF-style: chr8-144515800-G-C. GRCh37 (hg19) VCF-style: chr8-145741184-G-C.
Other names: c.1126C>G, p.Gln376Glu (NM_001413017.1, NM_001413020.1); c.1222C>G, p.Gln408Glu (NM_001413018.1, NM_001413019.1, NM_001413033.1 and 2 more transcripts); c.151C>G, p.Gln51Glu (NM_001413021.1, NM_001413022.1, NM_001413023.1 and 8 more transcripts); c.1093C>G, p.Gln365Glu (NM_001413025.1); c.89C>G, p.Ala30Gly (NM_001413027.1, NM_001413030.1, NM_001413031.1 and 2 more transcripts); c.871C>G, p.Gln291Glu (NM_001413029.1); c.-210+188C>G (NM_001413043.1); short protein forms Q365E, Q51E, Q376E, Q408E, A30G, Q291E.
Identifiers: ClinVar variation 4628919 (VCV004628919.1).